The following is an entry in ClinVar:

ClinVar aggregate classification (germline): Pathogenic. Review status: reviewed by expert panel (3 of 4 stars). 3 submissions from 3 submitters: Pathogenic (1). 2 of the submissions do not count toward it. Last evaluated 2016-09-08.

Conditions:
Breast-ovarian cancer, familial, susceptibility to, 2 (BROVCA2). Also called: BRCA2 Hereditary Breast and Ovarian Cancer. Identifiers: Orphanet 145, MedGen C2675520, MONDO:0012933, OMIM 612555. Disease mechanism: loss of function.

Submissions (3):

Evidence-based Network for the Interpretation of Germline Mutant Alleles (ENIGMA)
Classification: Pathogenic for Breast-ovarian cancer, familial, susceptibility to, 2. Last evaluated: 2016-09-08. Review status: reviewed by expert panel. Criteria: ENIGMA BRCA1/2 Classification Criteria (2015). Collection method: curation. Allele origin: germline.
Comment: Variant allele predicted to encode a truncated non-functional protein.

Consortium of Investigators of Modifiers of BRCA1/2 (CIMBA), c/o University of Cambridge
Classification: Pathogenic for Breast-ovarian cancer, familial, susceptibility to, 2. Last evaluated: 2015-10-02. Review status: criteria provided, single submitter. Criteria: CIMBA Mutation Classification guidelines May 2016. Collection method: clinical testing. Allele origin: germline. Not counted in ClinVar's aggregate classification.

Breast Cancer Information Core (BIC) (BRCA2)
Classification: Pathogenic for Breast-ovarian cancer, familial 2. Last evaluated: 2004-02-20. Review status: no assertion criteria provided. Collection method: clinical testing. Allele origin: germline. Affected: yes. Observed: 2 variant alleles. Not counted in ClinVar's aggregate classification.

NM_000059.4(BRCA2):c.227C>G (p.Ser76Ter)

Gene: BRCA2 (BRCA2 DNA repair associated; plus strand). Cytogenetic location: 13q13.1.
Variant type: single nucleotide variant.
Coding change: c.227C>G on transcript NM_000059.4 (MANE Select); coding-DNA position 227, C replaced by G.
Protein change: p.Ser76Ter; replaces serine 76 with a stop codon.
Molecular consequence: nonsense.
Genome position (GRCh38, 1-based): chr13:32,319,236, C>G. VCF-style: chr13-32319236-C-G. GRCh37 (hg19) VCF-style: chr13-32893373-C-G.
Other names: short protein forms S76*.
Identifiers: ClinVar variation 51265 (VCV000051265.3), dbSNP rs80358498, ClinGen allele CA014851.